The following is an entry in ClinVar:

NM_006950.3(SYN1):c.1971C>T (p.His657=)

Gene: SYN1 (synapsin I; minus strand). Cytogenetic location: Xp11.3.
Variant type: single nucleotide variant.
Coding change: c.1971C>T on transcript NM_006950.3 (MANE Select); coding-DNA position 1971, C replaced by T.
Protein change: p.His657=; no amino-acid change (histidine 657 retained).
Molecular consequence: synonymous variant.
Genome position (GRCh38, 1-based): chrX:47,574,013, G>A on the plus strand (C>T on the coding strand, the complement: SYN1 is on the minus strand). VCF-style: chrX-47574013-G-A. GRCh37 (hg19) VCF-style: chrX-47433412-G-A.
Other names: c.1971C>T, p.His657= (NM_133499.2).
Identifiers: ClinVar variation 1159939 (VCV001159939.34), dbSNP rs201236500, ClinGen allele CA10398341.

ClinVar aggregate classification (germline): Likely benign. Review status: criteria provided, multiple submitters, no conflicts (2 of 4 stars). 3 submissions from 3 submitters: Likely benign (3). Last evaluated 2024-12-07.

Conditions:
Epilepsy, X-linked 1, with variable learning disabilities and behavior disorders. Also called: X-linked epilepsy-learning disabilities-behavior disorders syndrome. Identifiers: Orphanet 85294, MedGen C5774177, MONDO:0010339, OMIM 300491.

Allele frequency attached by ClinVar (database versions not stated): gnomAD 0.00002 and 0.00004; TOPMed 0.00002; ExAC 0.00018; 1000 Genomes Project 30x 0.00042; 1000 Genomes Project 0.00053.
gnomAD v4.1: 78 of 1,144,075 alleles (0.0068%); highest among the groups gnomAD compares: Non-Finnish European, 0.009%; no homozygotes.

Submissions (3):

Labcorp Genetics (formerly Invitae), Labcorp
Classification: Likely benign for Epilepsy, X-linked 1, with variable learning disabilities and behavior disorders. Last evaluated: 2024-12-07. Review status: criteria provided, single submitter. Criteria: Invitae Variant Classification Sherloc (09022015). Collection method: clinical testing. Allele origin: germline.

Blueprint Genetics
Classification: Likely benign. Last evaluated: 2024-03-18. Review status: criteria provided, single submitter. Criteria: ACMG Guidelines, 2015. Collection method: clinical testing. Allele origin: germline.

CeGaT Center for Human Genetics Tuebingen
Classification: Likely benign. Last evaluated: 2023-09-01. Review status: criteria provided, single submitter. Criteria: CeGaT Center For Human Genetics Tuebingen Variant Classification Criteria Version 2. Collection method: clinical testing. Allele origin: germline. Affected: yes. Observed: 1 variant allele.
Comment: SYN1: BP4, BP7